The following is an entry in ClinVar:

NM_006904.7(PRKDC):c.4697C>T (p.Thr1566Met)

Gene: PRKDC (protein kinase, DNA-activated, catalytic subunit; minus strand). Cytogenetic location: 8q11.21.
Variant type: single nucleotide variant.
Coding change: c.4697C>T on transcript NM_006904.7 (MANE Select); coding-DNA position 4697, C replaced by T.
Protein change: p.Thr1566Met; replaces threonine 1566 with methionine.
Molecular consequence: missense variant.
Genome position (GRCh38, 1-based): chr8:47,886,023, G>A on the plus strand (C>T on the coding strand, the complement: PRKDC is on the minus strand). VCF-style: chr8-47886023-G-A. GRCh37 (hg19) VCF-style: chr8-48798584-G-A.
Other names: c.4697C>T, p.Thr1566Met (NM_001081640.2); short protein forms T1566M.
Identifiers: ClinVar variation 2965153 (VCV002965153.3), dbSNP rs775866201, ClinGen allele CA176150787.

ClinVar aggregate classification (germline): Uncertain significance (1 of 4 stars; one submission).

Conditions:
Severe combined immunodeficiency due to DNA-PKcs deficiency. Also called: IMMUNODEFICIENCY 26 WITH NEUROLOGIC ABNORMALITIES; Immunodeficiency 26 with or without neurologic abnormalities. Identifiers: Orphanet 317425, MedGen C4014833, MONDO:0014423, OMIM 615966.

Allele frequency attached by ClinVar (database versions not stated): gnomAD exomes 0.00001.
gnomAD v4.1: 15 of 1,613,738 alleles (0.00093%); highest among the groups gnomAD compares: Non-Finnish European, 0.0012%; no homozygotes.

Submission:

Labcorp Genetics (formerly Invitae), Labcorp
Classification: Uncertain significance for Severe combined immunodeficiency due to DNA-PKcs deficiency. Last evaluated: 2024-05-07. Review status: criteria provided, single submitter. Criteria: Invitae Variant Classification Sherloc (09022015). Collection method: clinical testing. Allele origin: germline.
Comment: This sequence change replaces threonine, which is neutral and polar, with methionine, which is neutral and non-polar, at codon 1566 of the PRKDC protein (p.Thr1566Met). This variant is not present in population databases (gnomAD no frequency). This variant has not been reported in the literature in individuals affected with PRKDC-related conditions. Advanced modeling of protein sequence and biophysical properties (such as structural, functional, and spatial information, amino acid conservation, physicochemical variation, residue mobility, and thermodynamic stability) performed at Invitae indicates that this missense variant is expected to disrupt PRKDC protein function with a positive predictive value of 80%. In summary, the available evidence is currently insufficient to determine the role of this variant in disease. Therefore, it has been classified as a Variant of Uncertain Significance.